The following is an entry in ClinVar:

NM_005475.3(SH2B3):c.1723C>G (p.Leu575Val)

Gene: SH2B3 (SH2B adaptor protein 3; plus strand). Cytogenetic location: 12q24.12.
Variant type: single nucleotide variant.
Coding change: c.1723C>G on transcript NM_005475.3 (MANE Select); coding-DNA position 1723, C replaced by G.
Protein change: p.Leu575Val; replaces leucine 575 with valine.
Molecular consequence: missense variant.
Genome position (GRCh38, 1-based): chr12:111,448,297, C>G. VCF-style: chr12-111448297-C-G. GRCh37 (hg19) VCF-style: chr12-111886101-C-G.
Other names: c.1117C>G, p.Leu373Val (NM_001291424.1); short protein forms L373V, L575V.
Identifiers: ClinVar variation 4163928 (VCV004163928.1).

ClinVar aggregate classification (germline): Uncertain significance (1 of 4 stars; one submission).

Conditions:
Inborn genetic diseases. Identifiers: MedGen C0950123, MeSH D030342.

Submission:

Ambry Genetics
Classification: Uncertain significance for Inborn genetic diseases. Last evaluated: 2025-07-03. Review status: criteria provided, single submitter. Criteria: Ambry Variant Classification Scheme 2023. Collection method: clinical testing. Allele origin: germline.
Comment: The p.L575V variant (also known as c.1723C>G), located in coding exon 7 of the SH2B3 gene, results from a C to G substitution at nucleotide position 1723. The leucine at codon 575 is replaced by valine, an amino acid with highly similar properties. This amino acid position is conserved. In addition, this alteration is predicted to be tolerated by in silico analysis. Based on the available evidence, the clinical significance of this variant remains unclear.